The following is an entry in ClinVar:

ClinVar aggregate classification (germline): Conflicting classifications of pathogenicity. Review status: criteria provided, conflicting classifications (1 of 4 stars). 2 submissions from 2 submitters: Uncertain significance (1); Likely benign (1). Last evaluated 2025-12-08.

Conditions:
Hereditary cancer-predisposing syndrome. Also called: Tumor predisposition; Hereditary Cancer Syndrome; Hereditary neoplastic syndrome; Neoplastic Syndromes, Hereditary. Identifiers: Orphanet 140162, MedGen C0027672, MeSH D009386, MONDO:0015356.
Renal cell carcinoma. Identifiers: Orphanet 217071, MedGen C0007134, MeSH D002292, MONDO:0005086, HP:0005584.

Allele frequency attached by ClinVar (database versions not stated): gnomAD exomes below 0.00001; TOPMed 0.00001.
gnomAD v4.1: 5 of 1,613,866 alleles (0.00031%); highest among the groups gnomAD compares: Non-Finnish European, 0.00042%; no homozygotes.

Submissions (2):

Labcorp Genetics (formerly Invitae), Labcorp
Classification: Uncertain significance for Renal cell carcinoma. Last evaluated: 2025-12-08. Review status: criteria provided, single submitter. Criteria: Invitae Variant Classification Sherloc (09022015). Collection method: clinical testing. Allele origin: germline.
Comment: This sequence change replaces glycine, which is neutral and non-polar, with aspartic acid, which is acidic and polar, at codon 1120 of the MET protein (p.Gly1120Asp). This variant is not present in population databases (gnomAD no frequency). This variant has not been reported in the literature in individuals affected with MET-related conditions. ClinVar contains an entry for this variant (Variation ID: 411888). Invitae Evidence Modeling of protein sequence and biophysical properties (such as structural, functional, and spatial information, amino acid conservation, physicochemical variation, residue mobility, and thermodynamic stability) indicates that this missense variant is not expected to disrupt MET protein function with a negative predictive value of 80%. In summary, the available evidence is currently insufficient to determine the role of this variant in disease. Therefore, it has been classified as a Variant of Uncertain Significance.

Ambry Genetics
Classification: Likely benign for Hereditary cancer-predisposing syndrome. Last evaluated: 2022-06-11. Review status: criteria provided, single submitter. Criteria: Ambry Variant Classification Scheme 2023. Collection method: clinical testing. Allele origin: germline.

NM_000245.4(MET):c.3305G>A (p.Gly1102Asp)

Gene: MET (MET proto-oncogene, receptor tyrosine kinase; plus strand). Cytogenetic location: 7q31.2.
Variant type: single nucleotide variant.
Coding change: c.3305G>A on transcript NM_000245.4 (MANE Select); coding-DNA position 3305, G replaced by A.
Protein change: p.Gly1102Asp; replaces glycine 1102 with aspartic acid.
Molecular consequence: missense variant.
Genome position (GRCh38, 1-based): chr7:116,777,434, G>A. VCF-style: chr7-116777434-G-A. GRCh37 (hg19) VCF-style: chr7-116417488-G-A.
Other names: c.3359G>A (LRG_662t1); c.3359G>A, p.Gly1120Asp (NM_001127500.3); c.2015G>A, p.Gly672Asp (NM_001324402.2); short protein forms G1120D, G1102D, G672D.
Identifiers: ClinVar variation 411888 (VCV000411888.12), dbSNP rs1060503533, ClinGen allele CA16612087.